The following is an entry in ClinVar:

ClinVar aggregate classification (germline): Uncertain significance (1 of 4 stars; one submission).

Submission:

GeneDx
Classification: Uncertain significance. Last evaluated: 2024-11-17. Review status: criteria provided, single submitter. Criteria: GeneDx Variant Classification Process June 2021. Collection method: clinical testing. Allele origin: germline. Affected: yes.
Comment: Not observed at significant frequency in large population cohorts (gnomAD); In silico analysis indicates that this missense variant does not alter protein structure/function; Has not been previously published as pathogenic or benign to our knowledge

NM_000552.5(VWF):c.8326C>T (p.Pro2776Ser)

Gene: VWF (von Willebrand factor; minus strand). Cytogenetic location: 12p13.31.
Variant type: single nucleotide variant.
Coding change: c.8326C>T on transcript NM_000552.5 (MANE Select); coding-DNA position 8326, C replaced by T.
Protein change: p.Pro2776Ser; replaces proline 2776 with serine.
Molecular consequence: missense variant.
Genome position (GRCh38, 1-based): chr12:5,949,131, G>A on the plus strand (C>T on the coding strand, the complement: VWF is on the minus strand). VCF-style: chr12-5949131-G-A. GRCh37 (hg19) VCF-style: chr12-6058297-G-A.
Other names: short protein forms P2776S.
Identifiers: ClinVar variation 2501503 (VCV002501503.2), dbSNP rs2497343594, ClinGen allele CA383486608.
Genomic context (GRCh38, chr12:5,949,131, plus strand): 5'-GGTACACAACAGAGCCATTGGTGCAGTGCAGGGCCACCTGCATGGGCTCCGTCCGTGTCG[G>A]AGAGCAGCAGGAGCACTGGTCCTGCACATCGTTGATGTCAATGGAGTACATGGCTTTGCT-3'
Protein context (NP_000543.3, residues 2766-2786): DVQDQCSCCS[Pro2776Ser]TRTEPMQVAL